The following is an entry in ClinVar:

NM_001041.4(SI):c.1106A>G (p.Lys369Arg)

Gene: SI (sucrase-isomaltase; minus strand). Cytogenetic location: 3q26.1.
Variant type: single nucleotide variant.
Coding change: c.1106A>G on transcript NM_001041.4 (MANE Select); coding-DNA position 1106, A replaced by G.
Protein change: p.Lys369Arg; replaces lysine 369 with arginine.
Molecular consequence: missense variant.
Genome position (GRCh38, 1-based): chr3:165,059,942, T>C on the plus strand (A>G on the coding strand, the complement: SI is on the minus strand). VCF-style: chr3-165059942-T-C. GRCh37 (hg19) VCF-style: chr3-164777730-T-C.
Other names: short protein forms K369R.
Identifiers: ClinVar variation 344060 (VCV000344060.13), dbSNP rs756534501, ClinGen allele CA2691194.

ClinVar aggregate classification (germline): Uncertain significance. Review status: criteria provided, multiple submitters, no conflicts (2 of 4 stars). 3 submissions from 3 submitters: Uncertain significance (3). Last evaluated 2022-07-05.

Conditions:
Sucrase-isomaltase deficiency (CSID). Also called: SI DEFICIENCY; Deficiency of isomaltase; Congenital sucrose isomaltose malabsorption; Sucrose isomaltose enzyme deficiency. Identifiers: Orphanet 35122, MedGen C1283620, MONDO:0009114, OMIM 222900.
Inborn genetic diseases. Identifiers: MedGen C0950123, MeSH D030342.

Allele frequency attached by ClinVar (database versions not stated): gnomAD exomes 0.00001; ExAC 0.00002; gnomAD 0.00002; TOPMed 0.00002.
gnomAD v4.1: 20 of 1,611,962 alleles (0.0012%); highest among the groups gnomAD compares: Non-Finnish European, 0.0017%; no homozygotes.

Submissions (3):

Labcorp Genetics (formerly Invitae), Labcorp
Classification: Uncertain significance. Last evaluated: 2022-07-05. Review status: criteria provided, single submitter. Criteria: Invitae Variant Classification Sherloc (09022015). Collection method: clinical testing. Allele origin: germline.
Comment: This variant is present in population databases (rs756534501, gnomAD 0.003%). In summary, the available evidence is currently insufficient to determine the role of this variant in disease. Therefore, it has been classified as a Variant of Uncertain Significance. Advanced modeling of protein sequence and biophysical properties (such as structural, functional, and spatial information, amino acid conservation, physicochemical variation, residue mobility, and thermodynamic stability) performed at Invitae indicates that this missense variant is not expected to disrupt SI protein function. ClinVar contains an entry for this variant (Variation ID: 344060). This variant has not been reported in the literature in individuals affected with SI-related conditions. This sequence change replaces lysine, which is basic and polar, with arginine, which is basic and polar, at codon 369 of the SI protein (p.Lys369Arg).

Ambry Genetics
Classification: Uncertain significance for Inborn genetic diseases. Last evaluated: 2021-07-13. Review status: criteria provided, single submitter. Criteria: Ambry Variant Classification Scheme 2023. Collection method: clinical testing. Allele origin: germline.

Illumina Laboratory Services, Illumina
Classification: Uncertain significance for Sucrase-isomaltase deficiency. Last evaluated: 2018-01-12. Review status: criteria provided, single submitter. Criteria: ICSL Variant Classification Criteria 13 December 2019. Collection method: clinical testing. Allele origin: germline.